The following is an entry in ClinVar:

ClinVar aggregate classification (germline): Likely pathogenic (1 of 4 stars; one submission).

Allele frequency attached by ClinVar (database versions not stated): gnomAD exomes 0.00001.
gnomAD v4.1: 4 of 1,614,028 alleles (0.00025%); highest among the groups gnomAD compares: East Asian, 0.0089%; no homozygotes.

Submission:

Labcorp Genetics (formerly Invitae), Labcorp
Classification: Likely pathogenic. Last evaluated: 2021-01-17. Review status: criteria provided, single submitter. Criteria: Invitae Variant Classification Sherloc (09022015). Collection method: clinical testing. Allele origin: germline.
Comment: This sequence change affects an acceptor splice site in intron 3 of the SERPINF1 gene. It is expected to disrupt RNA splicing. Variants that disrupt the donor or acceptor splice site typically lead to a loss of protein function (PMID: 16199547), and loss-of-function variants in SERPINF1 are known to be pathogenic (PMID: 21353196, 21826736). This variant is not present in population databases (ExAC no frequency). This variant has not been reported in the literature in individuals with SERPINF1-related conditions. In summary, the currently available evidence indicates that the variant is pathogenic, but additional data are needed to prove that conclusively. Therefore, this variant has been classified as Likely Pathogenic.

Literature cited by the submitters: PubMed 16199547; PubMed 21353196; PubMed 21826736.

NM_002615.7(SERPINF1):c.284-2A>G

Gene: SERPINF1 (serpin family F member 1; plus strand). Cytogenetic location: 17p13.3.
Variant type: single nucleotide variant.
Coding change: c.284-2A>G on transcript NM_002615.7 (MANE Select); the canonical splice acceptor site of the intron before coding-DNA position 284, A replaced by G.
Molecular consequence: splice acceptor variant.
Genome position (GRCh38, 1-based): chr17:1,771,027, A>G. VCF-style: chr17-1771027-A-G. GRCh37 (hg19) VCF-style: chr17-1674321-A-G.
Other names: c.-278-2A>G (NM_001329904.2); c.284-2A>G (NM_001329903.2).
Identifiers: ClinVar variation 1512752 (VCV001512752.8), dbSNP rs113947687, ClinGen allele CA286844807.